The following is an entry in ClinVar:

NM_007194.4(CHEK2):c.1115C>T (p.Ser372Phe)

Gene: CHEK2 (checkpoint kinase 2; minus strand). Cytogenetic location: 22q12.1.
Variant type: single nucleotide variant.
Coding change: c.1115C>T on transcript NM_007194.4 (MANE Select); coding-DNA position 1115, C replaced by T.
Protein change: p.Ser372Phe; replaces serine 372 with phenylalanine.
Molecular consequence: missense variant.
Genome position (GRCh38, 1-based): chr22:28,695,854, G>A on the plus strand (C>T on the coding strand, the complement: CHEK2 is on the minus strand). VCF-style: chr22-28695854-G-A. GRCh37 (hg19) VCF-style: chr22-29091842-G-A.
Other names: p.S372F:TCC>TTC; c.1244C>T, p.Ser415Phe (NM_001005735.3); c.452C>T, p.Ser151Phe (NM_001257387.3); c.914C>T, p.Ser305Phe (NM_001349956.3); c.1028C>T, p.Ser343Phe (NM_145862.3); short protein forms S372F, S151F, S343F, S415F, S305F.
Identifiers: ClinVar variation 182458 (VCV000182458.24), dbSNP rs147877722, ClinGen allele CA299122.
Genomic context (GRCh38, chr22:28,695,854, plus strand): 5'-GCCAAGTAGGTGGGGGTTCCACATAAGGTTCTCATGAGAGAGGTCTCTCCCAAAATCTTG[G>A]AGTGCCCAAAATCAGTAATCTAAAATTCAGTACAAAAGGGAATAATGTTGAACTTGCCAT-3'
Protein context (NP_009125.1, residues 362-382): CLIKITDFGH[Ser372Phe]KILGETSLMR

ClinVar aggregate classification (germline): Uncertain significance. Review status: criteria provided, multiple submitters, no conflicts (2 of 4 stars). 5 submissions from 5 submitters: Uncertain significance (5). Last evaluated 2025-08-05.

Conditions:
Hereditary cancer-predisposing syndrome. Also called: Tumor predisposition; Hereditary Cancer Syndrome; Hereditary neoplastic syndrome; Neoplastic Syndromes, Hereditary. Identifiers: Orphanet 140162, MedGen C0027672, MeSH D009386, MONDO:0015356.
Familial cancer of breast. Also called: BREAST CANCER, FAMILIAL; Hereditary breast cancer; hereditary breast carcinoma. Identifiers: Orphanet 227535, MedGen C0346153, MONDO:0016419, OMIM 114480. Disease mechanism: loss of function.

Allele frequency attached by ClinVar (database versions not stated): ESP Exome Variant Server 0.00008.
gnomAD v4.1: 2 of 1,613,300 alleles (0.00012%); highest among the groups gnomAD compares: Non-Finnish European, 0.000085%; no homozygotes.

Submissions (5):

Ambry Genetics
Classification: Uncertain significance for Hereditary cancer-predisposing syndrome. Last evaluated: 2025-08-05. Review status: criteria provided, single submitter. Criteria: Ambry Variant Classification Scheme 2023. Collection method: clinical testing. Allele origin: germline.
Comment: The p.S372F variant (also known as c.1115C>T), located in coding exon 10 of the CHEK2 gene, results from a C to T substitution at nucleotide position 1115. The serine at codon 372 is replaced by phenylalanine, an amino acid with highly dissimilar properties. This alteration was found to be strongly inactivating by a functional assay (Kumar RD et al. Sci Rep, 2017 07;7:6418). This alteration was also reported as functionally impaired in a study assessing CHEK2-complementation through quantification of KAP1 phosphorylation and CHK2 autophosphorylation in human RPE1-CHEK2-knockout cells (Stolarova L et al. Clin Cancer Res, 2023 Aug;29:3037-3050). This amino acid position is highly conserved in available vertebrate species. In addition, this alteration is predicted to be deleterious by in silico analysis. Based on the available evidence, the clinical significance of this variant remains unclear.

Labcorp Genetics (formerly Invitae), Labcorp
Classification: Uncertain significance for Familial cancer of breast. Last evaluated: 2025-05-30. Review status: criteria provided, single submitter. Criteria: Invitae Variant Classification Sherloc (09022015). Collection method: clinical testing. Allele origin: germline.
Comment: This sequence change replaces serine, which is neutral and polar, with phenylalanine, which is neutral and non-polar, at codon 372 of the CHEK2 protein (p.Ser372Phe). This variant is not present in population databases (gnomAD no frequency). This variant has not been reported in the literature in individuals affected with CHEK2-related conditions. ClinVar contains an entry for this variant (Variation ID: 182458). An algorithm developed to predict the effect of missense changes on protein structure and function (PolyPhen-2) suggests that this variant is likely to be disruptive. Experimental studies have shown that this missense change affects CHEK2 function (PMID: 28743916). In summary, the available evidence is currently insufficient to determine the role of this variant in disease. Therefore, it has been classified as a Variant of Uncertain Significance.

GeneDx
Classification: Uncertain significance. Last evaluated: 2023-08-28. Review status: criteria provided, single submitter. Criteria: GeneDx Variant Classification Process June 2021. Collection method: clinical testing. Allele origin: germline. Affected: yes.
Comment: Not observed at significant frequency in large population cohorts (gnomAD); In silico analysis supports that this missense variant has a deleterious effect on protein structure/function; Published functional studies demonstrate a damaging effect: reduced phosphorylation compared to wildtype (Kumar et al., 2017); This variant is associated with the following publications: (PMID: 22419737, 19782031, 28743916, 36801389)

Centre for Mendelian Genomics, University Medical Centre Ljubljana
Classification: Uncertain significance for Familial cancer of breast. Last evaluated: 2022-12-09. Review status: criteria provided, single submitter. Criteria: ACMG Guidelines, 2015. Collection method: research. Allele origin: germline. Affected: no.
Comment: PS3, PM2_SUP

Color Diagnostics, LLC DBA Color Health
Classification: Uncertain significance for Hereditary cancer-predisposing syndrome. Last evaluated: 2021-12-13. Review status: criteria provided, single submitter. Criteria: ACMG Guidelines, 2015. Collection method: clinical testing. Allele origin: germline.
Comment: This missense variant replaces serine with phenylalanine at codon 372 of the CHEK2 protein. Computational prediction suggests that this variant may have deleterious impact on protein structure and function (internally defined REVEL score threshold >= 0.7, PMID: 27666373). A functional study has shown that this variant results in >80% reduction in CHEK2 kinase activity (PMID: 28743916). This variant has not been reported in individuals affected with hereditary cancer in the literature. This variant has not been identified in the general population by the Genome Aggregation Database (gnomAD). The available evidence is insufficient to determine the role of this variant in disease conclusively. Therefore, this variant is classified as a Variant of Uncertain Significance.

Literature cited by the submitters: PubMed 28743916 (cited by 3 submitters); PubMed 37449874 (cited by Ambry Genetics).